The following is an entry in ClinVar:

NM_003070.5(SMARCA2):c.3343C>G (p.Pro1115Ala)

Gene: SMARCA2 (SWI/SNF related BAF chromatin remodeling complex subunit ATPase 2; plus strand). Cytogenetic location: 9p24.3.
Variant type: single nucleotide variant.
Coding change: c.3343C>G on transcript NM_003070.5 (MANE Select); coding-DNA position 3343, C replaced by G.
Protein change: p.Pro1115Ala; replaces proline 1115 with alanine.
Molecular consequence: missense variant.
Genome position (GRCh38, 1-based): chr9:2,110,304, C>G. VCF-style: chr9-2110304-C-G. GRCh37 (hg19) VCF-style: chr9-2110304-C-G.
Other names: c.3343C>G, p.Pro1115Ala (NM_001289396.2, NM_139045.4); c.3169C>G, p.Pro1057Ala (NM_001289397.2); short protein forms P1057A, P1115A.
Identifiers: ClinVar variation 4804014 (VCV004804014.1).

ClinVar aggregate classification (germline): Uncertain significance (1 of 4 stars; one submission).

Submission:

Labcorp Genetics (formerly Invitae), Labcorp
Classification: Uncertain significance. Last evaluated: 2025-03-11. Review status: criteria provided, single submitter. Criteria: Invitae Variant Classification Sherloc (09022015). Collection method: clinical testing. Allele origin: germline.
Comment: This sequence change replaces proline, which is neutral and non-polar, with alanine, which is neutral and non-polar, at codon 1115 of the SMARCA2 protein (p.Pro1115Ala). This variant is not present in population databases (gnomAD no frequency). This variant has not been reported in the literature in individuals affected with SMARCA2-related conditions. Invitae Evidence Modeling of protein sequence and biophysical properties (such as structural, functional, and spatial information, amino acid conservation, physicochemical variation, residue mobility, and thermodynamic stability) indicates that this missense variant is not expected to disrupt SMARCA2 protein function with a negative predictive value of 80%. In summary, the available evidence is currently insufficient to determine the role of this variant in disease. Therefore, it has been classified as a Variant of Uncertain Significance.